The following is an entry in ClinVar:

NM_052989.3(IFT122):c.476G>A (p.Arg159Gln)

Gene: IFT122 (intraflagellar transport 122; plus strand). Cytogenetic location: 3q21.3.
Variant type: single nucleotide variant.
Coding change: c.476G>A on transcript NM_052989.3 (MANE Select); coding-DNA position 476, G replaced by A.
Protein change: p.Arg159Gln; replaces arginine 159 with glutamine.
Molecular consequence: missense variant.
Genome position (GRCh38, 1-based): chr3:129,464,694, G>A. VCF-style: chr3-129464694-G-A. GRCh37 (hg19) VCF-style: chr3-129183537-G-A.
Other names: c.629G>A, p.Arg210Gln (NM_001280541.2, NM_052985.4); c.26G>A, p.Arg9Gln (NM_001280545.2, NM_001280546.2); c.476G>A, p.Arg159Gln (NM_001410808.1, NM_001410809.1, NM_001410810.1 and 3 more transcripts); c.320G>A, p.Arg107Gln (NM_001410815.1, NM_001410817.1, NM_052990.3); short protein forms R9Q, R159Q, R210Q, R107Q.
Identifiers: ClinVar variation 2145692 (VCV002145692.2), dbSNP rs759240224, ClinGen allele CA2605885.

ClinVar aggregate classification (germline): Uncertain significance. Review status: criteria provided, multiple submitters, no conflicts (2 of 4 stars). 2 submissions from 2 submitters: Uncertain significance (2). Last evaluated 2024-05-16.

Conditions:
Cranioectodermal dysplasia 1 (CED1). Also called: LEVIN SYNDROME I. Identifiers: Orphanet 1515, MedGen C0432235, MONDO:0021093, OMIM 218330.

Allele frequency attached by ClinVar (database versions not stated): gnomAD 0.00001; gnomAD exomes 0.00002; TOPMed 0.00002; ExAC 0.00003.
gnomAD v4.1: 32 of 1,613,780 alleles (0.002%); highest among the groups gnomAD compares: Non-Finnish European, 0.0022%; no homozygotes.

Submissions (2):

Fulgent Genetics
Classification: Uncertain significance for Cranioectodermal dysplasia 1. Last evaluated: 2024-05-16. Review status: criteria provided, single submitter. Criteria: ACMG Guidelines, 2015. Collection method: clinical testing. Allele origin: germline.

Labcorp Genetics (formerly Invitae), Labcorp
Classification: Uncertain significance for Cranioectodermal dysplasia 1. Last evaluated: 2022-10-17. Review status: criteria provided, single submitter. Criteria: Invitae Variant Classification Sherloc (09022015). Collection method: clinical testing. Allele origin: germline.
Comment: This sequence change replaces arginine, which is basic and polar, with glutamine, which is neutral and polar, at codon 210 of the IFT122 protein (p.Arg210Gln). This variant is present in population databases (rs759240224, gnomAD 0.006%). This variant has not been reported in the literature in individuals affected with IFT122-related conditions. Advanced modeling of protein sequence and biophysical properties (such as structural, functional, and spatial information, amino acid conservation, physicochemical variation, residue mobility, and thermodynamic stability) performed at Invitae indicates that this missense variant is expected to disrupt IFT122 protein function. In summary, the available evidence is currently insufficient to determine the role of this variant in disease. Therefore, it has been classified as a Variant of Uncertain Significance.